The following is an entry in ClinVar:

NM_005267.5(GJA8):c.116C>T (p.Thr39Met)

Gene: GJA8 (gap junction protein alpha 8; plus strand). Cytogenetic location: 1q21.2.
Variant type: single nucleotide variant.
Coding change: c.116C>T on transcript NM_005267.5 (MANE Select); coding-DNA position 116, C replaced by T.
Protein change: p.Thr39Met; replaces threonine 39 with methionine.
Molecular consequence: missense variant.
Genome position (GRCh38, 1-based): chr1:147,908,071, C>T. VCF-style: chr1-147908071-C-T. GRCh37 (hg19) VCF-style: chr1-147380198-C-T.
Other names: short protein forms T39M.
Identifiers: ClinVar variation 3236401 (VCV003236401.3).

ClinVar aggregate classification (germline): Uncertain significance (1 of 4 stars; one submission).

Conditions:
Cataract 1 multiple types. Also called: CATARACT 1, POSTERIOR SUBCAPSULAR, WITH MICROCORNEA; CATARACT 1, STELLATE NUCLEAR, WITH MICROCORNEA; CATARACT, DUFFY-LINKED; CATARACT 1, MULTIPLE TYPES, WITH OR WITHOUT MICROCORNEA; CATARACT 1, NUCLEAR PROGRESSIVE; CATARACT 1 WITH MICROCORNEA. Identifiers: Orphanet 1377, MedGen C1861828, MONDO:0007285, OMIM 116200.

gnomAD v4.1: 1 of 1,614,136 alleles (0.000062%); highest among the groups gnomAD compares: Non-Finnish European, 0.000085%; no homozygotes.

Submission:

Molecular Genetics of Human Eye Development, Oxford Brookes University
Classification: Uncertain significance for Cataract 1 multiple types. Last evaluated: 2025-02-18. Review status: criteria provided, single submitter. Criteria: ACMG Guidelines, 2015. Collection method: clinical testing. Allele origin: unknown. Affected: yes. Observed: 1 variant allele.
Comment: The GJA8 c.116C>T; The variant is present in one individual in the gnomAD v4.1 population dataset (1/1614136). Further analysis suggest that the variant is present in an individual from the UK biobank dataset, a databse with individuals who could have unknown health conditions. It is predicted damaging by SIFT and PolyPhen but predicted "Ambiguous" by AlphaMissense. This is the first time this variant is being associated with a disease condition but other changes affecting the same codon (Thr39) are reported have been reported previously (PMID: 29464339 & PMID: 33923544 and ClinVar: SCV004183581) also associated with cataract, microornea and other congenital eye anomalies. A recent study (bioRxiv pre-prent [PMID: 39554031]) reports the same p.(Thr39Met) variant in a naturally occuring cavefish with eye anomlies, including microphthalmia, suggesting it could be causal. The variant is classified as "Uncertain Significance" (PM1, PM5, PP3) until further evidence of the it's pathgenicity becomes available.